The following is an entry in ClinVar:

NM_001267550.2(TTN):c.59359A>C (p.Ile19787Leu)

Genes: TTN-AS1 (TTN antisense RNA 1; plus strand), TTN (titin; minus strand), LOC126806424 (CDK7 strongly-dependent group 2 enhancer GRCh37_chr2:179456337-179457536; plus strand). Cytogenetic location: 2q31.2.
Variant type: single nucleotide variant.
Coding change: c.59359A>C on transcript NM_001267550.2 (MANE Select); coding-DNA position 59359, A replaced by C.
Protein change: p.Ile19787Leu; replaces isoleucine 19787 with leucine.
Molecular consequence: missense variant.
Genome position (GRCh38, 1-based): chr2:178,592,646, T>G on the plus strand (A>C on the coding strand, the complement: TTN is on the minus strand). VCF-style: chr2-178592646-T-G. GRCh37 (hg19) VCF-style: chr2-179457373-T-G.
Other names: c.54436A>C, p.Ile18146Leu (NM_001256850.1); c.32164A>C, p.Ile10722Leu (NM_003319.4); c.51655A>C, p.Ile17219Leu (NM_133378.4); c.32539A>C, p.Ile10847Leu (NM_133432.3); c.32740A>C, p.Ile10914Leu (NM_133437.4); short protein forms I19787L, I17219L, I10722L, I10847L, I18146L, I10914L.
Identifiers: ClinVar variation 195917 (VCV000195917.12), dbSNP rs771610118, ClinGen allele CA242599.
Genomic context (GRCh38, chr2:178,592,646, plus strand): 5'-TAAGTCTTAGAGTATCACCAACTTTAATGTGTTGTTCTCTTGCCATGTTGGCATCAAGAA[T>G]CAACTCAGGGGGTTCTAGAATAAAGAGAACAGAACACTCAGATTTGATCCATAATGCAGA-3'
Protein context (NP_001254479.2, residues 19777-19797): VKDRLEPPEL[Ile19787Leu]LDANMAREQH

ClinVar aggregate classification (germline): Uncertain significance. Review status: criteria provided, multiple submitters, no conflicts (2 of 4 stars). 4 submissions from 4 submitters: Uncertain significance (4). Last evaluated 2021-02-15.

Conditions:
Cardiovascular phenotype. Identifiers: MedGen CN230736.
Dilated cardiomyopathy 1G (CMD1G). Identifiers: Orphanet 154, MedGen C1858763, MONDO:0011400, OMIM 604145.
Autosomal recessive limb-girdle muscular dystrophy type 2J (LGMDR10). Also called: MUSCULAR DYSTROPHY, LIMB-GIRDLE, AUTOSOMAL RECESSIVE 10; Limb-girdle muscular dystrophy, type 2J. Identifiers: Orphanet 140922, MedGen C1837342, MONDO:0012127, OMIM 608807.

Allele frequency attached by ClinVar (database versions not stated): gnomAD 0.00001; TOPMed 0.00001; ExAC 0.00002; gnomAD exomes 0.00002 and 0.00006.
gnomAD v4.1: 85 of 1,613,022 alleles (0.0053%); highest among the groups gnomAD compares: Non-Finnish European, 0.007%; no homozygotes.

Submissions (4):

Revvity Omics, Revvity
Classification: Uncertain significance. Last evaluated: 2021-02-15. Review status: criteria provided, single submitter. Criteria: ACMG Guidelines, 2015. Collection method: clinical testing. Allele origin: germline.

Ambry Genetics
Classification: Uncertain significance for Cardiovascular phenotype. Last evaluated: 2019-06-21. Review status: criteria provided, single submitter. Criteria: Ambry Variant Classification Scheme 2023. Collection method: clinical testing. Allele origin: germline.
Comment: The p.I10722L variant (also known as c.32164A>C), located in coding exon 128 of the TTN gene, results from an A to C substitution at nucleotide position 32164. The isoleucine at codon 10722 is replaced by leucine, an amino acid with highly similar properties. This amino acid position is well conserved in available vertebrate species; however, leucine is the reference amino acid in other vertebrate species. In addition, this alteration is predicted to be tolerated by in silico analysis. Since supporting evidence is limited at this time, the clinical significance of this alteration remains unclear.

Labcorp Genetics (formerly Invitae), Labcorp
Classification: Uncertain significance for Dilated cardiomyopathy 1G; Autosomal recessive limb-girdle muscular dystrophy type 2J. Last evaluated: 2017-04-04. Review status: criteria provided, single submitter. Criteria: Invitae Variant Classification Sherloc (09022015). Collection method: clinical testing. Allele origin: germline.

Eurofins Ntd Llc (ga)
Classification: Uncertain significance. Last evaluated: 2014-11-14. Review status: criteria provided, single submitter. Criteria: EGL Classification Definitions 2015. Collection method: clinical testing. Allele origin: germline. Observed: 3 variant alleles, 3 heterozygotes.